The following is an entry in ClinVar:

ClinVar aggregate classification (germline): Uncertain significance (1 of 4 stars; one submission).

Conditions:
Spermatogenic failure 18. Identifiers: MedGen C4539783, MONDO:0054615, OMIM 617576.
Ciliary dyskinesia, primary, 37 (CILD37). Also called: CILIARY DYSKINESIA, PRIMARY, 37, WITH OR WITHOUT SITUS INVERSUS. Identifiers: MedGen C4539798, MONDO:0033204, OMIM 617577.

Allele frequency attached by ClinVar (database versions not stated): gnomAD exomes below 0.00001 and 0.00001; TOPMed below 0.00001.

Submission:

Labcorp Genetics (formerly Invitae), Labcorp
Classification: Uncertain significance for Ciliary dyskinesia, primary, 37; Spermatogenic failure 18. Last evaluated: 2018-06-24. Review status: criteria provided, single submitter. Criteria: Invitae Variant Classification Sherloc (09022015). Collection method: clinical testing. Allele origin: germline.
Comment: In summary, the available evidence is currently insufficient to determine the role of this variant in disease. Therefore, it has been classified as a Variant of Uncertain Significance. Algorithms developed to predict the effect of missense changes on protein structure and function are either unavailable or do not agree on the potential impact of this missense change (SIFT: "Deleterious"; PolyPhen-2: "Probably Damaging"; Align-GVGD: "Class C0"). This variant has not been reported in the literature in individuals with DNAH1-related disease. This variant is not present in population databases (ExAC no frequency). This sequence change replaces arginine with cysteine at codon 3497 of the DNAH1 protein (p.Arg3497Cys). The arginine residue is highly conserved and there is a large physicochemical difference between arginine and cysteine.

NM_015512.5(DNAH1):c.10489C>T (p.Arg3497Cys)

Gene: DNAH1 (dynein axonemal heavy chain 1; plus strand). Cytogenetic location: 3p21.1.
Variant type: single nucleotide variant.
Coding change: c.10489C>T on transcript NM_015512.5 (MANE Select); coding-DNA position 10489, C replaced by T.
Protein change: p.Arg3497Cys; replaces arginine 3497 with cysteine.
Molecular consequence: missense variant.
Genome position (GRCh38, 1-based): chr3:52,393,348, C>T. VCF-style: chr3-52393348-C-T. GRCh37 (hg19) VCF-style: chr3-52427364-C-T.
Other names: short protein forms R3497C.
Identifiers: ClinVar variation 576005 (VCV000576005.6), dbSNP rs1011281568, ClinGen allele CA74783793.